The following is an entry in ClinVar:

NM_001042492.3(NF1):c.724dup (p.Met242fs)

Gene: NF1 (neurofibromin 1; plus strand). Cytogenetic location: 17q11.2.
Variant type: Duplication.
Coding change: c.724dup on transcript NM_001042492.3 (MANE Select); coding-DNA position 724, one base duplicated (A; older notation c.724dupA).
Protein change: p.Met242fs; shifts the reading frame from methionine 242.
Molecular consequence: frameshift variant.
Genome position (GRCh38, 1-based): chr17:31,181,779, A duplicated. VCF-style (leftmost placement, unchanged base first): chr17-31181778-T-TA. GRCh37 (hg19) VCF-style: chr17-29508796-T-TA.
Other names: c.724dupA (NM_000267.3); c.724dup, p.Met242fs (NM_001128147.3); c.724dup, p.Met242Asnfs (NM_000267.4); short protein forms M242fs.
Identifiers: ClinVar variation 449421 (VCV000449421.11), dbSNP rs1555608763, ClinGen allele CA658656555.
Genomic context (GRCh38, chr17:31,181,778, plus strand): 5'-GAACTGGGTAGAAAATTATCCAGATGAATTTACAAAACTGTACCAGATCCCACAGACTGA[T>TA]ATGGCTGGTAAGGATACGATTGATTTTTTTTTTTTTTTTGTCTTTTAAATGCCTACTTGT-3'

ClinVar aggregate classification (germline): Pathogenic. Review status: criteria provided, multiple submitters, no conflicts (2 of 4 stars). 4 submissions from 4 submitters: Pathogenic (4). Last evaluated 2024-12-28.

Conditions:
Neurofibromatosis, type 1 (NF1). Also called: VON RECKLINGHAUSEN DISEASE; NEUROFIBROMATOSIS, TYPE I, SOMATIC; Neurofibromatosis, type I; Peripheral type neurofibromatosis. Identifiers: Orphanet 636, MedGen C0027831, MONDO:0018975, OMIM 162200. Disease mechanism: loss of function.

Submissions (4):

Labcorp Genetics (formerly Invitae), Labcorp
Classification: Pathogenic for Neurofibromatosis, type 1. Last evaluated: 2024-12-28. Review status: criteria provided, single submitter. Criteria: Invitae Variant Classification Sherloc (09022015). Collection method: clinical testing. Allele origin: germline.
Comment: This sequence change creates a premature translational stop signal (p.Met242Asnfs*3) in the NF1 gene. It is expected to result in an absent or disrupted protein product. Loss-of-function variants in NF1 are known to be pathogenic (PMID: 10712197, 23913538). This variant is not present in population databases (gnomAD no frequency). This premature translational stop signal has been observed in individual(s) with neurofibromatosis Type 1 (PMID: 10607834, 18546366, 23913538). This variant is also known as c.723insA. ClinVar contains an entry for this variant (Variation ID: 449421). For these reasons, this variant has been classified as Pathogenic.

Genome-Nilou Lab
Classification: Pathogenic for Neurofibromatosis, type 1. Last evaluated: 2022-03-15. Review status: criteria provided, single submitter. Criteria: ACMG Guidelines, 2015. Collection method: clinical testing. Allele origin: germline. Affected: no.

Genome Diagnostics Laboratory, The Hospital for Sick Children
Classification: Pathogenic for Neurofibromatosis, type 1. Last evaluated: 2020-10-26. Review status: criteria provided, single submitter. Criteria: ACMG Guidelines, 2015. Collection method: clinical testing. Allele origin: germline. Affected: yes.

GeneDx
Classification: Pathogenic. Last evaluated: 2017-11-06. Review status: criteria provided, single submitter. Criteria: GeneDx Variant Classification (06012015). Collection method: clinical testing. Allele origin: germline. Affected: yes.
Comment: The c.724dupA variant has been reported previously in association with neurofibromatosis type 1 (Ars et al., 2000; Pros et al., 2008). The duplication causes a frameshift starting with codon Methionine 242, changes this amino acid to an Asparagine residue and creates a premature Stop codon at position 3 of the new reading frame, denoted p.Met242AsnfsX3. This variant is predicted to cause loss of normal protein function either through protein truncation or nonsense-mediated mRNA decay. The variant is not observed in large population cohorts (Lek et al., 2016). In summary, we consider this variant to be pathogenic.

Literature cited by the submitters: PubMed 10712197 (cited by Labcorp Genetics (formerly Invitae), Labcorp); PubMed 23913538 (cited by Labcorp Genetics (formerly Invitae), Labcorp); PubMed 10607834 (cited by Labcorp Genetics (formerly Invitae), Labcorp); PubMed 18546366 (cited by Labcorp Genetics (formerly Invitae), Labcorp).